The following is an entry in ClinVar:

ClinVar aggregate classification (germline): Uncertain significance (1 of 4 stars; one submission).

Submission:

GeneDx
Classification: Uncertain significance. Last evaluated: 2024-12-02. Review status: criteria provided, single submitter. Criteria: GeneDx Variant Classification Process June 2021. Collection method: clinical testing. Allele origin: germline. Affected: yes.
Comment: Not observed at significant frequency in large population cohorts (gnomAD); In silico analysis supports that this missense variant has a deleterious effect on protein structure/function; Has not been previously published as pathogenic or benign to our knowledge

NM_001378609.3(OTOGL):c.6650A>G (p.Tyr2217Cys)

Gene: OTOGL (otogelin like; plus strand). Cytogenetic location: 12q21.31.
Variant type: single nucleotide variant.
Coding change: c.6650A>G on transcript NM_001378609.3 (MANE Select); coding-DNA position 6650, A replaced by G.
Protein change: p.Tyr2217Cys; replaces tyrosine 2217 with cysteine.
Molecular consequence: missense variant.
Genome position (GRCh38, 1-based): chr12:80,370,604, A>G. VCF-style: chr12-80370604-A-G. GRCh37 (hg19) VCF-style: chr12-80764384-A-G.
Other names: c.6515A>G, p.Tyr2172Cys (NM_001368062.3); c.6650A>G, p.Tyr2217Cys (NM_001378610.3, NM_173591.7); short protein forms Y2172C, Y2217C.
Identifiers: ClinVar variation 3900816 (VCV003900816.1).